The following is an entry in ClinVar:

NM_001292063.2(OTOG):c.916_917delinsAA (p.Ala306Asn)

Gene: OTOG (otogelin; plus strand). Cytogenetic location: 11p15.1.
Variant type: Indel.
Coding change: c.916_917delinsAA on transcript NM_001292063.2 (MANE Select); coding-DNA positions 916 to 917, GC replaced by AA.
Protein change: p.Ala306Asn; replaces alanine 306 with asparagine.
Molecular consequence: missense variant.
Genome position (GRCh38, 1-based): chr11:17,558,235-17,558,236, GC replaced by AA. VCF-style: chr11-17558235-GC-AA. GRCh37 (hg19) VCF-style: chr11-17579782-GC-AA.
Other names: c.952_953delinsAA, p.Ala318Asn (NM_001277269.2); short protein forms A306N, A318N.
Identifiers: ClinVar variation 1511950 (VCV001511950.7), dbSNP rs2134005761, ClinGen allele CA2573146174.

ClinVar aggregate classification (germline): Uncertain significance. Review status: criteria provided, multiple submitters, no conflicts (2 of 4 stars). 2 submissions from 2 submitters: Uncertain significance (2). Last evaluated 2025-09-15.

Submissions (2):

Labcorp Genetics (formerly Invitae), Labcorp
Classification: Uncertain significance. Last evaluated: 2025-09-15. Review status: criteria provided, single submitter. Criteria: Invitae Variant Classification Sherloc (09022015). Collection method: clinical testing. Allele origin: germline.
Comment: This sequence change replaces alanine, which is neutral and non-polar, with asparagine, which is neutral and polar, at codon 318 of the OTOG protein (p.Ala318Asn). The frequency data for this variant in the population databases is considered unreliable, as metrics indicate poor data quality at this position in the gnomAD database. This variant has not been reported in the literature in individuals affected with OTOG-related conditions. ClinVar contains an entry for this variant (Variation ID: 1511950). An algorithm developed to predict the effect of missense changes on protein structure and function (PolyPhen-2) suggests that this variant is likely to be tolerated. In summary, the available evidence is currently insufficient to determine the role of this variant in disease. Therefore, it has been classified as a Variant of Uncertain Significance.

Blueprint Genetics
Classification: Uncertain significance. Last evaluated: 2020-03-23. Review status: criteria provided, single submitter. Criteria: ACMG Guidelines, 2015. Collection method: clinical testing. Allele origin: germline.